The following is an entry in ClinVar:

NM_000660.7(TGFB1):c.1100T>C (p.Val367Ala)

Gene: TGFB1 (transforming growth factor beta 1; minus strand). Cytogenetic location: 19q13.2.
Variant type: single nucleotide variant.
Coding change: c.1100T>C on transcript NM_000660.7 (MANE Select); coding-DNA position 1100, T replaced by C.
Protein change: p.Val367Ala; replaces valine 367 with alanine.
Molecular consequence: missense variant.
Genome position (GRCh38, 1-based): chr19:41,331,125, A>G on the plus strand (T>C on the coding strand, the complement: TGFB1 is on the minus strand). VCF-style: chr19-41331125-A-G. GRCh37 (hg19) VCF-style: chr19-41837030-A-G.
Other names: short protein forms V367A.
Identifiers: ClinVar variation 4767984 (VCV004767984.1).
Genomic context (GRCh38, chr19:41,331,125, plus strand): 5'-CAGGAGCGCACGATCATGTTGGACAGCTGCTCCACCTTGGGCTTGCGGCCCACGTAGTAC[A>G]CGATGGGCAGCGGCTCCAGCGCCTGCGGCACGCAGCACGGCGCCGCCGAGGCGCCCGGGT-3'
Protein context (NP_000651.3, residues 357-377): VPQALEPLPI[Val367Ala]YYVGRKPKVE

ClinVar aggregate classification (germline): Uncertain significance (1 of 4 stars; one submission).

gnomAD v4.1: 7 of 1,580,954 alleles (0.00044%); highest among the groups gnomAD compares: Non-Finnish European, 0.00051%; no homozygotes.

Submission:

Labcorp Genetics (formerly Invitae), Labcorp
Classification: Uncertain significance. Last evaluated: 2025-09-23. Review status: criteria provided, single submitter. Criteria: Invitae Variant Classification Sherloc (09022015). Collection method: clinical testing. Allele origin: germline.
Comment: This sequence change replaces valine, which is neutral and non-polar, with alanine, which is neutral and non-polar, at codon 367 of the TGFB1 protein (p.Val367Ala). This variant is not present in population databases (gnomAD no frequency). This variant has not been reported in the literature in individuals affected with TGFB1-related conditions. Invitae Evidence Modeling of protein sequence and biophysical properties (such as structural, functional, and spatial information, amino acid conservation, physicochemical variation, residue mobility, and thermodynamic stability) indicates that this missense variant is not expected to disrupt TGFB1 protein function with a negative predictive value of 80%. In summary, the available evidence is currently insufficient to determine the role of this variant in disease. Therefore, it has been classified as a Variant of Uncertain Significance.